The following is an entry in ClinVar:

ClinVar aggregate classification (germline): Uncertain significance. Review status: criteria provided, multiple submitters, no conflicts (2 of 4 stars). 4 submissions from 4 submitters: Uncertain significance (4). Last evaluated 2024-07-10.

Conditions:
Hereditary cancer-predisposing syndrome. Also called: Tumor predisposition; Neoplastic Syndromes, Hereditary; Hereditary neoplastic syndrome; Hereditary Cancer Syndrome. Identifiers: Orphanet 140162, MedGen C0027672, MeSH D009386, MONDO:0015356.
Retinoblastoma (RB1). Also called: RETINOBLASTOMA, SOMATIC. Identifiers: Orphanet 790, MedGen C0035335, MeSH D012175, MONDO:0008380, OMIM 180200, HP:0009919. Disease mechanism: loss of function. Inheritance: Both sporadic and heritable forms are tested..

Submissions (4):

All of Us Research Program, National Institutes of Health
Classification: Uncertain significance for Retinoblastoma. Last evaluated: 2024-07-10. Review status: criteria provided, single submitter. Criteria: ACMG Guidelines, 2015. Collection method: clinical testing. Allele origin: germline. Inheritance: Autosomal dominant inheritance. Observed: 1 variant allele, 1 heterozygote.
Comment: This missense variant replaces leucine with serine at codon 676 of the RB1 protein. Computational prediction suggests that this variant may have deleterious impact on protein structure and function. To our knowledge, functional studies have not been reported for this variant. This variant has not been reported in individuals affected with RB1-related disorders in the literature. This variant has not been identified in the general population by the Genome Aggregation Database (gnomAD). The available evidence is insufficient to determine the role of this variant in disease conclusively. Therefore, this variant is classified as a Variant of Uncertain Significance.

This study involves interpretation of variants in research participants for the purpose of population health screening. Participant phenotype was not available at the time of variant classification. Additional details can be found in publication PMID: 35346344, PMCID: PMC8962531

Ambry Genetics
Classification: Uncertain significance for Hereditary cancer-predisposing syndrome. Last evaluated: 2023-12-11. Review status: criteria provided, single submitter. Criteria: Ambry Variant Classification Scheme 2023. Collection method: clinical testing. Allele origin: germline.
Comment: The p.L676S variant (also known as c.2027T>C), located in coding exon 20 of the RB1 gene, results from a T to C substitution at nucleotide position 2027. The leucine at codon 676 is replaced by serine, an amino acid with dissimilar properties. This amino acid position is well conserved in available vertebrate species. In addition, this alteration is predicted to be deleterious by in silico analysis. Since supporting evidence is limited at this time, the clinical significance of this alteration remains unclear.

Labcorp Genetics (formerly Invitae), Labcorp
Classification: Uncertain significance for Retinoblastoma. Last evaluated: 2019-07-23. Review status: criteria provided, single submitter. Criteria: Invitae Variant Classification Sherloc (09022015). Collection method: clinical testing. Allele origin: germline.
Comment: In summary, the available evidence is currently insufficient to determine the role of this variant in disease. Therefore, it has been classified as a Variant of Uncertain Significance. Algorithms developed to predict the effect of missense changes on protein structure and function (SIFT, PolyPhen-2, Align-GVGD) all suggest that this variant is likely to be disruptive, but these predictions have not been confirmed by published functional studies and their clinical significance is uncertain. This variant has not been reported in the literature in individuals with RB1-related conditions. ClinVar contains an entry for this variant (Variation ID: 584872). This variant is not present in population databases (ExAC no frequency). This sequence change replaces leucine with serine at codon 676 of the RB1 protein (p.Leu676Ser). The leucine residue is highly conserved and there is a large physicochemical difference between leucine and serine.

Mendelics
Classification: Uncertain significance for Retinoblastoma. Last evaluated: 2018-07-02. Review status: criteria provided, single submitter. Criteria: Mendelics Assertion Criteria 2017. Collection method: clinical testing. Allele origin: unknown.

NM_000321.3(RB1):c.2027T>C (p.Leu676Ser)

Gene: RB1 (RB transcriptional corepressor 1; plus strand). Cytogenetic location: 13q14.2.
Variant type: single nucleotide variant.
Coding change: c.2027T>C on transcript NM_000321.3 (MANE Select); coding-DNA position 2027, T replaced by C.
Protein change: p.Leu676Ser; replaces leucine 676 with serine.
Molecular consequence: missense variant.
Genome position (GRCh38, 1-based): chr13:48,459,754, T>C. VCF-style: chr13-48459754-T-C. GRCh37 (hg19) VCF-style: chr13-49033890-T-C.
Other names: short protein forms L676S.
Identifiers: ClinVar variation 584872 (VCV000584872.13), dbSNP rs1566235448, ClinGen allele CA388166793.